The following is an entry in ClinVar:

NM_000089.4(COL1A2):c.524G>A (p.Gly175Asp)

Gene: COL1A2 (collagen type I alpha 2 chain; plus strand). Cytogenetic location: 7q21.3.
Variant type: single nucleotide variant.
Coding change: c.524G>A on transcript NM_000089.4 (MANE Select); coding-DNA position 524, G replaced by A.
Protein change: p.Gly175Asp; replaces glycine 175 with aspartic acid.
Molecular consequence: missense variant.
Genome position (GRCh38, 1-based): chr7:94,405,710, G>A. VCF-style: chr7-94405710-G-A. GRCh37 (hg19) VCF-style: chr7-94035022-G-A.
Other names: short protein forms G175D.
Identifiers: ClinVar variation 4783356 (VCV004783356.1).

ClinVar aggregate classification (germline): Likely pathogenic (1 of 4 stars; one submission).

Conditions:
Ehlers-Danlos syndrome, classic type, 1 (EDSCL1). Also called: EHLERS-DANLOS SYNDROME, GRAVIS TYPE; EHLERS-DANLOS SYNDROME, SEVERE CLASSIC TYPE; Ehlers-Danlos syndrome, type 1; Ehlers-Danlos Syndrome, Classic Type, COL5A1-Related; EDS I. Identifiers: MedGen C0268335, MONDO:0019567, OMIM 130000.
Osteogenesis imperfecta type I (OI1). Also called: OI, TYPE I; OSTEOGENESIS IMPERFECTA TARDA; OSTEOGENESIS IMPERFECTA WITH BLUE SCLERAE; Osteogenesis imperfecta type 1; Lobstein's Disease; Lobstein disease. Identifiers: Orphanet 216796, Orphanet 666, MedGen C0023931, MONDO:0008146, OMIM 166200. Disease mechanism: loss of function.

Submission:

Labcorp Genetics (formerly Invitae), Labcorp
Classification: Likely pathogenic for Osteogenesis imperfecta type I; Ehlers-Danlos syndrome, classic type, 1. Last evaluated: 2025-04-10. Review status: criteria provided, single submitter. Criteria: Invitae Variant Classification Sherloc (09022015). Collection method: clinical testing. Allele origin: germline.
Comment: This sequence change replaces glycine, which is neutral and non-polar, with aspartic acid, which is acidic and polar, at codon 175 of the COL1A2 protein (p.Gly175Asp). This variant is not present in population databases (gnomAD no frequency). This variant has not been reported in the literature in individuals affected with COL1A2-related conditions. Invitae Evidence Modeling of protein sequence and biophysical properties (such as structural, functional, and spatial information, amino acid conservation, physicochemical variation, residue mobility, and thermodynamic stability) indicates that this missense variant is expected to disrupt COL1A2 protein function with a positive predictive value of 95%. This variant disrupts the triple helix domain of COL1A2. Glycine residues within the Gly-Xaa-Yaa repeats of the triple helix domain are required for the structure and stability of fibrillar collagens (PMID: 7695699, 8218237, 19344236). In COL1A2, variants affecting these glycine residues are significantly enriched in individuals with disease (PMID: 9016532, 17078022) compared to the general population (ExAC). In summary, the currently available evidence indicates that the variant is pathogenic, but additional data are needed to prove that conclusively. Therefore, this variant has been classified as Likely Pathogenic.

Literature cited by the submitters: PubMed 7695699; PubMed 8218237; PubMed 19344236; PubMed 9016532; PubMed 17078022.